The following is an entry in ClinVar:

NM_018136.5(ASPM):c.9645G>A (p.Trp3215Ter)

Gene: ASPM (assembly factor for spindle microtubules; minus strand). Cytogenetic location: 1q31.3.
Variant type: single nucleotide variant.
Coding change: c.9645G>A on transcript NM_018136.5 (MANE Select); coding-DNA position 9645, G replaced by A.
Protein change: p.Trp3215Ter; replaces tryptophan 3215 with a stop codon.
Molecular consequence: nonsense.
Genome position (GRCh38, 1-based): chr1:197,090,380, C>T on the plus strand (G>A on the coding strand, the complement: ASPM is on the minus strand). VCF-style: chr1-197090380-C-T. GRCh37 (hg19) VCF-style: chr1-197059510-C-T.
Other names: c.4890G>A, p.Trp1630Ter (NM_001206846.2); short protein forms W1630*, W3215*.
Identifiers: ClinVar variation 1453619 (VCV001453619.6), dbSNP rs1394353328, ClinGen allele CA344002118.
Genomic context (GRCh38, chr1:197,090,380, plus strand): 5'-ACTTAGTCGTATAGCTTTAATTTTTGTACAATCATTTTTCTTCCTCCAAGAATAGCCTCT[C>T]CATAATGCCTTAAAGAGATAAAACAGAGTAATTTTAAGATTATAGCCAATGTTTTCTATT-3'

ClinVar aggregate classification (germline): Pathogenic (1 of 4 stars; one submission).

Allele frequency attached by ClinVar (database versions not stated): TOPMed below 0.00001; gnomAD 0.00001.
gnomAD v4.1: 1 of 1,606,608 alleles (0.000062%); highest among the groups gnomAD compares: African/African-American, 0.0013%; no homozygotes.

Submission:

Labcorp Genetics (formerly Invitae), Labcorp
Classification: Pathogenic. Last evaluated: 2021-11-13. Review status: criteria provided, single submitter. Criteria: Invitae Variant Classification Sherloc (09022015). Collection method: clinical testing. Allele origin: germline.
Comment: For these reasons, this variant has been classified as Pathogenic. This variant has not been reported in the literature in individuals affected with ASPM-related conditions. This variant is not present in population databases (gnomAD no frequency). This sequence change creates a premature translational stop signal (p.Trp3215*) in the ASPM gene. It is expected to result in an absent or disrupted protein product. Loss-of-function variants in ASPM are known to be pathogenic (PMID: 19028728, 23611254).

Literature cited by the submitters: PubMed 19028728; PubMed 23611254.